The following is an entry in ClinVar:

ClinVar aggregate classification (germline): Uncertain significance. Review status: criteria provided, multiple submitters, no conflicts (2 of 4 stars). 5 submissions from 5 submitters: Uncertain significance (5). Last evaluated 2025-06-01.

Conditions:
Brugada syndrome 8 (BRGDA8). Identifiers: Orphanet 130, MedGen C2751083, MONDO:0013148, OMIM 613123.
Sick sinus syndrome 2, autosomal dominant (SSS2). Also called: ATRIAL FIBRILLATION WITH BRADYARRHYTHMIA; SINUS BRADYCARDIA SYNDROME, FAMILIAL, AUTOSOMAL DOMINANT; SINUS NODE DISEASE, FAMILIAL, AUTOSOMAL DOMINANT; SICK SINUS SYNDROME 2; SICK SINUS SYNDROME 2 WITH OR WITHOUT CARDIAC NONCOMPACTION AND/OR ASCENDING AORTA DILATION. Identifiers: Orphanet 166282, MedGen C1834144, MONDO:0008102, OMIM 163800.
Epilepsy, idiopathic generalized, susceptibility to, 18. Identifiers: MedGen C5561983, MONDO:0030434, OMIM 619521.
HCN4-related disorder. Also called: HCN4-related condition.
Cardiovascular phenotype. Identifiers: MedGen CN230736.

Allele frequency attached by ClinVar (database versions not stated): TOPMed below 0.00001; gnomAD exomes 0.00001 and 0.00002; ExAC 0.00002.
gnomAD v4.1: 12 of 1,614,224 alleles (0.00074%); highest among the groups gnomAD compares: East Asian, 0.0022%; no homozygotes.

Submissions (5):

Labcorp Genetics (formerly Invitae), Labcorp
Classification: Uncertain significance for Brugada syndrome 8. Last evaluated: 2025-06-01. Review status: criteria provided, single submitter. Criteria: Invitae Variant Classification Sherloc (09022015). Collection method: clinical testing. Allele origin: germline.
Comment: This sequence change replaces arginine, which is basic and polar, with glutamine, which is neutral and polar, at codon 624 of the HCN4 protein (p.Arg624Gln). This variant is present in population databases (rs763842368, gnomAD 0.006%). This variant has not been reported in the literature in individuals affected with HCN4-related conditions. ClinVar contains an entry for this variant (Variation ID: 1419907). Invitae Evidence Modeling of protein sequence and biophysical properties (such as structural, functional, and spatial information, amino acid conservation, physicochemical variation, residue mobility, and thermodynamic stability) has been performed for this missense variant. However, the output from this modeling did not meet the statistical confidence thresholds required to predict the impact of this variant on HCN4 protein function. In summary, the available evidence is currently insufficient to determine the role of this variant in disease. Therefore, it has been classified as a Variant of Uncertain Significance.

Ambry Genetics
Classification: Uncertain significance for Cardiovascular phenotype. Last evaluated: 2024-07-28. Review status: criteria provided, single submitter. Criteria: Ambry Variant Classification Scheme 2023. Collection method: clinical testing. Allele origin: germline.
Comment: The p.R624Q variant (also known as c.1871G>A), located in coding exon 6 of the HCN4 gene, results from a G to A substitution at nucleotide position 1871. The arginine at codon 624 is replaced by glutamine, an amino acid with highly similar properties. This amino acid position is conserved. In addition, the in silico prediction for this alteration is inconclusive. Based on the available evidence, the clinical significance of this variant remains unclear.

PreventionGenetics, part of Exact Sciences
Classification: Uncertain significance for HCN4-related condition. Last evaluated: 2023-06-16. Review status: criteria provided, single submitter. Criteria: ACMG Guidelines, 2015. Collection method: clinical testing. Allele origin: germline.
Comment: The HCN4 c.1871G>A variant is predicted to result in the amino acid substitution p.Arg624Gln. To our knowledge, this variant has not been reported in the literature. This variant is reported in 0.0054% of alleles in individuals of East Asian descent in gnomAD. At this time, the clinical significance of this variant is uncertain due to the absence of conclusive functional and genetic evidence.

AiLife Diagnostics
Classification: Uncertain significance. Last evaluated: 2021-09-29. Review status: criteria provided, single submitter. Criteria: ACMG Guidelines, 2015. Collection method: clinical testing. Allele origin: germline. Affected: yes. Observed: 1 variant allele.

Fulgent Genetics
Classification: Uncertain significance for Sick sinus syndrome 2, autosomal dominant; Brugada syndrome 8; Epilepsy, idiopathic generalized, susceptibility to, 18. Last evaluated: 2021-09-14. Review status: criteria provided, single submitter. Criteria: ACMG Guidelines, 2015. Collection method: clinical testing. Allele origin: unknown.

NM_005477.3(HCN4):c.1871G>A (p.Arg624Gln)

Gene: HCN4 (hyperpolarization activated cyclic nucleotide gated potassium channel 4; minus strand). Cytogenetic location: 15q24.1.
Variant type: single nucleotide variant.
Coding change: c.1871G>A on transcript NM_005477.3 (MANE Select); coding-DNA position 1871, G replaced by A.
Protein change: p.Arg624Gln; replaces arginine 624 with glutamine.
Molecular consequence: missense variant.
Genome position (GRCh38, 1-based): chr15:73,325,062, C>T on the plus strand (G>A on the coding strand, the complement: HCN4 is on the minus strand). VCF-style: chr15-73325062-C-T. GRCh37 (hg19) VCF-style: chr15-73617403-C-T.
Other names: c.1871G>A (NM_005477.2); short protein forms R624Q.
Identifiers: ClinVar variation 1419907 (VCV001419907.10), dbSNP rs763842368, ClinGen allele CA7649171.
Genomic context (GRCh38, chr15:73,325,062, plus strand): 5'-GTGAGCACGCTGACCACGCCATGCTGGATGAAGTACATCTTCTTGCCAATGGTGCCTTCC[C>T]GGATGATGTAGTCCCCAGGCTGGAAGACCTCGAAACGCAGCTTGGTCAGCATGGACGTCA-3'
Protein context (NP_005468.1, residues 614-634): EVFQPGDYII[Arg624Gln]EGTIGKKMYF